The following is an entry in ClinVar:

NM_001105206.3(LAMA4):c.2380C>T (p.Gln794Ter)

Gene: LAMA4 (laminin subunit alpha 4; minus strand). Cytogenetic location: 6q21.
Variant type: single nucleotide variant.
Coding change: c.2380C>T on transcript NM_001105206.3 (MANE Select); coding-DNA position 2380, C replaced by T.
Protein change: p.Gln794Ter; replaces glutamine 794 with a stop codon.
Molecular consequence: nonsense.
Genome position (GRCh38, 1-based): chr6:112,144,907, G>A on the plus strand (C>T on the coding strand, the complement: LAMA4 is on the minus strand). VCF-style: chr6-112144907-G-A. GRCh37 (hg19) VCF-style: chr6-112466109-G-A.
Other names: c.2359C>T, p.Gln787Ter (NM_001105207.3, NM_002290.5); short protein forms Q787*, Q794*.
Identifiers: ClinVar variation 3725372 (VCV003725372.2), dbSNP rs267600766.

ClinVar aggregate classification (germline): Uncertain significance (1 of 4 stars; one submission).

Conditions:
Dilated cardiomyopathy 1JJ (CMD1JJ). Identifiers: Orphanet 154, MedGen C3808935, MONDO:0014095, OMIM 615235.

Submission:

Labcorp Genetics (formerly Invitae), Labcorp
Classification: Uncertain significance for Dilated cardiomyopathy 1JJ. Last evaluated: 2024-11-21. Review status: criteria provided, single submitter. Criteria: Invitae Variant Classification Sherloc (09022015). Collection method: clinical testing. Allele origin: germline.
Comment: This sequence change creates a premature translational stop signal (p.Gln787*) in the LAMA4 gene. It is expected to result in an absent or disrupted protein product. However, the current clinical and genetic evidence is not sufficient to establish whether loss-of-function variants in LAMA4 cause disease. This variant is not present in population databases (gnomAD no frequency). This variant has not been reported in the literature in individuals affected with LAMA4-related conditions. Algorithms developed to predict the effect of sequence changes on RNA splicing suggest that this variant may disrupt the consensus splice site. In summary, the available evidence is currently insufficient to determine the role of this variant in disease. Therefore, it has been classified as a Variant of Uncertain Significance.